The following is an entry in ClinVar:

NM_022051.3(EGLN1):c.1257T>A (p.Asp419Glu)

Gene: EGLN1 (egl-9 family hypoxia inducible factor 1; minus strand). Cytogenetic location: 1q42.2.
Variant type: single nucleotide variant.
Coding change: c.1257T>A on transcript NM_022051.3 (MANE Select); coding-DNA position 1257, T replaced by A.
Protein change: p.Asp419Glu; replaces aspartic acid 419 with glutamic acid.
Molecular consequence: missense variant. On other transcripts: 3 prime UTR variant (2).
Genome position (GRCh38, 1-based): chr1:231,366,435, A>T on the plus strand (T>A on the coding strand, the complement: EGLN1 is on the minus strand). VCF-style: chr1-231366435-A-T. GRCh37 (hg19) VCF-style: chr1-231502181-A-T.
Other names: c.*37T>A (NM_001377260.1); c.*82T>A (NM_001377261.1); short protein forms D419E.
Identifiers: ClinVar variation 2342577 (VCV002342577.5), dbSNP rs1348057473, ClinGen allele CA345238344.

ClinVar aggregate classification (germline): Conflicting classifications of pathogenicity. Review status: criteria provided, conflicting classifications (1 of 4 stars). 2 submissions from 2 submitters: Uncertain significance (1); Likely benign (1). Last evaluated 2025-08-18.

Conditions:
Erythrocytosis, familial, 3 (ECYT3). Identifiers: Orphanet 247511, MedGen C1853286, MONDO:0012353, OMIM 609820.

Allele frequency attached by ClinVar (database versions not stated): gnomAD 0.00001; TOPMed 0.00001.
gnomAD v4.1: 19 of 1,613,950 alleles (0.0012%); highest among the groups gnomAD compares: Non-Finnish European, 0.0016%; no homozygotes.

Submissions (2):

Labcorp Genetics (formerly Invitae), Labcorp
Classification: Uncertain significance for Erythrocytosis, familial, 3. Last evaluated: 2025-08-18. Review status: criteria provided, single submitter. Criteria: Invitae Variant Classification Sherloc (09022015). Collection method: clinical testing. Allele origin: germline.
Comment: This sequence change replaces aspartic acid, which is acidic and polar, with glutamic acid, which is acidic and polar, at codon 419 of the EGLN1 protein (p.Asp419Glu). The frequency data for this variant in the population databases is considered unreliable, as metrics indicate poor data quality at this position in the gnomAD database. This missense change has been observed in individual(s) with erythrocytosis (PMID: 37317877). ClinVar contains an entry for this variant (Variation ID: 2342577). An algorithm developed to predict the effect of missense changes on protein structure and function (PolyPhen-2) suggests that this variant is likely to be tolerated. In summary, the available evidence is currently insufficient to determine the role of this variant in disease. Therefore, it has been classified as a Variant of Uncertain Significance.

Ambry Genetics
Classification: Likely benign. Last evaluated: 2025-06-24. Review status: criteria provided, single submitter. Criteria: Ambry Variant Classification Scheme 2023. Collection method: clinical testing. Allele origin: germline.

Literature cited by the submitters: PubMed 37317877 (cited by Labcorp Genetics (formerly Invitae), Labcorp).